The following is an entry in ClinVar:

NM_182746.3(MCM4):c.743G>A (p.Arg248His)

Gene: MCM4 (minichromosome maintenance complex component 4; plus strand). Cytogenetic location: 8q11.21.
Variant type: single nucleotide variant.
Coding change: c.743G>A on transcript NM_182746.3 (MANE Select); coding-DNA position 743, G replaced by A.
Protein change: p.Arg248His; replaces arginine 248 with histidine.
Molecular consequence: missense variant.
Genome position (GRCh38, 1-based): chr8:47,964,623, G>A. VCF-style: chr8-47964623-G-A. GRCh37 (hg19) VCF-style: chr8-48877183-G-A.
Other names: c.743G>A, p.Arg248His (LRG_1239t1, NM_005914.4); short protein forms R248H.
Identifiers: ClinVar variation 363220 (VCV000363220.17), dbSNP rs146842638, ClinGen allele CA4742415.
Genomic context (GRCh38, chr8:47,964,623, plus strand): 5'-TGTTTTTACAGGAAGTTATTCCAACTTTTGACATGGCTGTCAATGAAATCTTCTTTGACC[G>A]TTACCCTGACTCAATCTTAGAACATCAGATTCAAGTAAGACCATTCAACGCATTGAAGAC-3'
Protein context (NP_877423.1, residues 238-258): DMAVNEIFFD[Arg248His]YPDSILEHQI

ClinVar aggregate classification (germline): Likely benign. Review status: criteria provided, multiple submitters, no conflicts (2 of 4 stars). 3 submissions from 3 submitters: Likely benign (2). 1 of the submissions does not count toward it. Last evaluated 2026-02-01.

Conditions:
Primary immunodeficiency with natural-killer cell deficiency and adrenal insufficiency (IMD54). Also called: IMMUNODEFICIENCY 54; Natural killer cell and glucocorticoid deficiency with DNA repair defect. Identifiers: Orphanet 75391, MedGen C1864947, MONDO:0012383, OMIM 609981.
MCM4-related disorder. Also called: MCM4-related condition.

Allele frequency attached by ClinVar (database versions not stated): gnomAD exomes 0.00020 and 0.00069; gnomAD 0.00029 and 0.00039; TOPMed 0.00051; ExAC 0.00060; 1000 Genomes Project 30x 0.00219; 1000 Genomes Project 0.00240.
gnomAD v4.1: 355 of 1,604,700 alleles (0.022%); highest among the groups gnomAD compares: East Asian, 0.54%; no homozygotes.

Submissions (3):

Labcorp Genetics (formerly Invitae), Labcorp
Classification: Likely benign. Last evaluated: 2026-02-01. Review status: criteria provided, single submitter. Criteria: Invitae Variant Classification Sherloc (09022015). Collection method: clinical testing. Allele origin: germline.

Illumina Laboratory Services, Illumina
Classification: Likely benign for Primary immunodeficiency with natural-killer cell deficiency and adrenal insufficiency. Last evaluated: 2018-01-13. Review status: criteria provided, single submitter. Criteria: ICSL Variant Classification Criteria 13 December 2019. Collection method: clinical testing. Allele origin: germline.
Comment: This variant was observed in the ICSL laboratory as part of a predisposition screen in an ostensibly healthy population. It had not been previously curated by ICSL or reported in the Human Gene Mutation Database (HGMD: prior to June 1st, 2018), and was therefore a candidate for classification through an automated scoring system. Utilizing variant allele frequency, disease prevalence and penetrance estimates, and inheritance mode, an automated score was calculated to assess if this variant is too frequent to cause the disease. Based on the score and internal cut-off values, a variant classified as likely benign is not then subjected to further curation. The score for this variant resulted in a classification of likely benign for this disease.

PreventionGenetics, part of Exact Sciences
Classification: Benign for MCM4-related condition. Last evaluated: 2019-10-28. Review status: no assertion criteria provided. Collection method: clinical testing. Allele origin: germline. Not counted in ClinVar's aggregate classification.
Comment: This variant is classified as benign based on ACMG/AMP sequence variant interpretation guidelines (Richards et al. 2015 PMID: 25741868, with internal and published modifications).